The following is an entry in ClinVar:

ClinVar aggregate classification (germline): Likely benign. Review status: criteria provided, single submitter (1 of 4 stars). 2 submissions from 2 submitters: Likely benign (1). 1 of the submissions does not count toward it. Last evaluated 2024-11-05.

Conditions:
VPS13B-related disorder. Also called: VPS13B-related condition.
Cohen syndrome (COH1). Also called: Cutis verticis gyrata, retinitis pigmentosa, and sensorineural deafness; PEPPER SYNDROME. Identifiers: Orphanet 193, MedGen C0265223, MONDO:0008999, OMIM 216550.

Allele frequency attached by ClinVar (database versions not stated): gnomAD 0.00001; gnomAD exomes 0.00001; TOPMed 0.00001.
gnomAD v4.1: 4 of 1,613,906 alleles (0.00025%); highest among the groups gnomAD compares: East Asian, 0.0022%; no homozygotes.

Submissions (2):

Labcorp Genetics (formerly Invitae), Labcorp
Classification: Likely benign for Cohen syndrome. Last evaluated: 2024-11-05. Review status: criteria provided, single submitter. Criteria: Invitae Variant Classification Sherloc (09022015). Collection method: clinical testing. Allele origin: germline.

PreventionGenetics, part of Exact Sciences
Classification: Likely benign for VPS13B-related condition. Last evaluated: 2024-03-15. Review status: no assertion criteria provided. Collection method: clinical testing. Allele origin: germline. Not counted in ClinVar's aggregate classification.
Comment: This variant is classified as likely benign based on ACMG/AMP sequence variant interpretation guidelines (Richards et al. 2015 PMID: 25741868, with internal and published modifications).

NM_152564.5(VPS13B):c.1773G>A (p.Val591=)

Gene: VPS13B (vacuolar protein sorting 13 homolog B; plus strand). Cytogenetic location: 8q22.2.
Variant type: single nucleotide variant.
Coding change: c.1773G>A on transcript NM_152564.5 (MANE Select); coding-DNA position 1773, G replaced by A.
Protein change: p.Val591=; no amino-acid change (valine 591 retained).
Molecular consequence: synonymous variant.
Genome position (GRCh38, 1-based): chr8:99,143,095, G>A. VCF-style: chr8-99143095-G-A. GRCh37 (hg19) VCF-style: chr8-100155323-G-A.
Other names: c.1773G>A, p.Val591= (NM_015243.3, NM_017890.5).
Identifiers: ClinVar variation 2065162 (VCV002065162.5), dbSNP rs1392301831, ClinGen allele CA462423170.